The following is an entry in ClinVar:

ClinVar aggregate classification (germline): Uncertain significance. Review status: criteria provided, multiple submitters, no conflicts (2 of 4 stars). 2 submissions from 2 submitters: Uncertain significance (2). Last evaluated 2022-12-01.

Conditions:
Inborn genetic diseases. Identifiers: MedGen C0950123, MeSH D030342.

gnomAD v4.1: 171 of 1,606,810 alleles (0.011%); highest among the groups gnomAD compares: Non-Finnish European, 0.014%; no homozygotes.

Submissions (2):

Ambry Genetics
Classification: Uncertain significance for Inborn genetic diseases. Last evaluated: 2022-12-01. Review status: criteria provided, single submitter. Criteria: Ambry Variant Classification Scheme 2023. Collection method: clinical testing. Allele origin: germline.

Labcorp Genetics (formerly Invitae), Labcorp
Classification: Uncertain significance. Last evaluated: 2022-07-07. Review status: criteria provided, single submitter. Criteria: Invitae Variant Classification Sherloc (09022015). Collection method: clinical testing. Allele origin: germline.
Comment: This sequence change replaces alanine, which is neutral and non-polar, with serine, which is neutral and polar, at codon 253 of the ADAMTS17 protein (p.Ala253Ser). This variant is present in population databases (rs777227721, gnomAD 0.006%). This variant has not been reported in the literature in individuals affected with ADAMTS17-related conditions. ClinVar contains an entry for this variant (Variation ID: 1411500). Algorithms developed to predict the effect of missense changes on protein structure and function are either unavailable or do not agree on the potential impact of this missense change (SIFT: "Not Available"; PolyPhen-2: "Probably Damaging"; Align-GVGD: "Not Available"). In summary, the available evidence is currently insufficient to determine the role of this variant in disease. Therefore, it has been classified as a Variant of Uncertain Significance.

NM_139057.4(ADAMTS17):c.757G>T (p.Ala253Ser)

Gene: ADAMTS17 (ADAM metallopeptidase with thrombospondin type 1 motif 17; minus strand). Cytogenetic location: 15q26.3.
Variant type: single nucleotide variant.
Coding change: c.757G>T on transcript NM_139057.4 (MANE Select); coding-DNA position 757, G replaced by T.
Protein change: p.Ala253Ser; replaces alanine 253 with serine.
Molecular consequence: missense variant.
Genome position (GRCh38, 1-based): chr15:100,281,261, C>A on the plus strand (G>T on the coding strand, the complement: ADAMTS17 is on the minus strand). VCF-style: chr15-100281261-C-A. GRCh37 (hg19) VCF-style: chr15-100821466-C-A.
Other names: c.757G>T (NM_139057.2); short protein forms A253S.
Identifiers: ClinVar variation 1411500 (VCV001411500.4), dbSNP rs777227721, ClinGen allele CA7758585.
Genomic context (GRCh38, chr15:100,281,261, plus strand): 5'-CACATCAGGACCCCGGCTCCGGACTCACCATGTTCATGACGGTCAGGATGAACCTCTGGG[C>A]GGCCTCGGCCCCGTGGTACTGCACCATGTCGGCGTCGGCCACCACCAGGGTCTCCACCGT-3'
Protein context (NP_620688.2, residues 243-263): DMVQYHGAEA[Ala253Ser]QRFILTVMNM